The following is an entry in ClinVar:

NM_004655.4(AXIN2):c.1852G>A (p.Asp618Asn)

Gene: AXIN2 (axin 2; minus strand). Cytogenetic location: 17q24.1.
Variant type: single nucleotide variant.
Coding change: c.1852G>A on transcript NM_004655.4 (MANE Select); coding-DNA position 1852, G replaced by A.
Protein change: p.Asp618Asn; replaces aspartic acid 618 with asparagine.
Molecular consequence: missense variant. On other transcripts: intron variant (1).
Genome position (GRCh38, 1-based): chr17:65,536,924, C>T on the plus strand (G>A on the coding strand, the complement: AXIN2 is on the minus strand). VCF-style: chr17-65536924-C-T. GRCh37 (hg19) VCF-style: chr17-63533042-C-T.
Other names: c.1713-371G>A (NM_001363813.1); short protein forms D618N.
Identifiers: ClinVar variation 1781359 (VCV001781359.3), dbSNP rs2043932509, ClinGen allele CA400676495.

ClinVar aggregate classification (germline): Uncertain significance. Review status: criteria provided, multiple submitters, no conflicts (2 of 4 stars). 2 submissions from 2 submitters: Uncertain significance (2). Last evaluated 2024-03-01.

Conditions:
Colorectal cancer. Also called: Colorectal cancer, somatic; Malignant Colorectal Neoplasm. Identifiers: MedGen C0346629, MONDO:0005575, OMIM 114500.
Hereditary cancer-predisposing syndrome. Also called: Neoplastic Syndromes, Hereditary; Tumor predisposition; Hereditary Cancer Syndrome; Hereditary neoplastic syndrome. Identifiers: Orphanet 140162, MedGen C0027672, MeSH D009386, MONDO:0015356.

Submissions (2):

Baylor Genetics
Classification: Uncertain significance for Colorectal cancer. Last evaluated: 2024-03-01. Review status: criteria provided, single submitter. Criteria: ACMG Guidelines, 2015. Collection method: clinical testing. Allele origin: unknown.

Ambry Genetics
Classification: Uncertain significance for Hereditary cancer-predisposing syndrome. Last evaluated: 2022-01-31. Review status: criteria provided, single submitter. Criteria: Ambry Variant Classification Scheme 2023. Collection method: clinical testing. Allele origin: germline.
Comment: The p.D618N variant (also known as c.1852G>A), located in coding exon 6 of the AXIN2 gene, results from a G to A substitution at nucleotide position 1852. The aspartic acid at codon 618 is replaced by asparagine, an amino acid with highly similar properties. This amino acid position is conserved. In addition, this alteration is predicted to be tolerated by in silico analysis. Since supporting evidence is limited at this time, the clinical significance of this alteration remains unclear.